The following is an entry in ClinVar:

NM_015272.5(RPGRIP1L):c.3043G>C (p.Val1015Leu)

Gene: RPGRIP1L (RPGRIP1 like; minus strand). Cytogenetic location: 16q12.2.
Variant type: single nucleotide variant.
Coding change: c.3043G>C on transcript NM_015272.5 (MANE Select); coding-DNA position 3043, G replaced by C.
Protein change: p.Val1015Leu; replaces valine 1015 with leucine.
Molecular consequence: missense variant. On other transcripts: intron variant (2).
Genome position (GRCh38, 1-based): chr16:53,638,327, C>G on the plus strand (G>C on the coding strand, the complement: RPGRIP1L is on the minus strand). VCF-style: chr16-53638327-C-G. GRCh37 (hg19) VCF-style: chr16-53672239-C-G.
Other names: c.3043G>C, p.Val1015Leu (NM_001308334.3); c.2959-473G>C (NM_001127897.4, NM_001330538.2); short protein forms V1015L.
Identifiers: ClinVar variation 2123491 (VCV002123491.4), dbSNP rs2544000496, ClinGen allele CA395926529.
Genomic context (GRCh38, chr16:53,638,327, plus strand): 5'-ACCAAATTAAACCTTCCAAAATAATTTTAACACAAATGCATACCTTGGGAACATGTGGAA[C>G]AGTCAGCATATTAATTTCTATTTCTGGTATATGCTCTACCTCTGGTGAAATTTCCTTCCT-3'
Protein context (NP_056087.2, residues 1005-1025): IPEIEINMLT[Val1015Leu]PHVPKVSQEG

ClinVar aggregate classification (germline): Uncertain significance (1 of 4 stars; one submission).

Conditions:
Joubert syndrome. Also called: CEREBELLOPARENCHYMAL DISORDER IV; JOUBERT-BOLTSHAUSER SYNDROME; Familial aplasia of the vermis. Identifiers: Orphanet 475, MedGen C5979921, MONDO:0018772.
Meckel-Gruber syndrome. Also called: DYSENCEPHALIA SPLANCHNOCYSTICA; GRUBER SYNDROME; Dysencephalia splachnocystica. Identifiers: Orphanet 564, MedGen C0265215, MONDO:0018921.

Submission:

Labcorp Genetics (formerly Invitae), Labcorp
Classification: Uncertain significance for Joubert syndrome; Meckel-Gruber syndrome. Last evaluated: 2022-04-09. Review status: criteria provided, single submitter. Criteria: Invitae Variant Classification Sherloc (09022015). Collection method: clinical testing. Allele origin: germline.
Comment: Algorithms developed to predict the effect of missense changes on protein structure and function output the following: SIFT: "Tolerated"; PolyPhen-2: "Benign"; Align-GVGD: "Class C0". The leucine amino acid residue is found in multiple mammalian species, which suggests that this missense change does not adversely affect protein function. In summary, the available evidence is currently insufficient to determine the role of this variant in disease. Therefore, it has been classified as a Variant of Uncertain Significance. This variant has not been reported in the literature in individuals affected with RPGRIP1L-related conditions. This variant is not present in population databases (gnomAD no frequency). This sequence change replaces valine, which is neutral and non-polar, with leucine, which is neutral and non-polar, at codon 1015 of the RPGRIP1L protein (p.Val1015Leu).